The following is an entry in ClinVar:

NM_000059.4(BRCA2):c.3185C>T (p.Pro1062Leu)

Gene: BRCA2 (BRCA2 DNA repair associated; plus strand). Cytogenetic location: 13q13.1.
Variant type: single nucleotide variant.
Coding change: c.3185C>T on transcript NM_000059.4 (MANE Select); coding-DNA position 3185, C replaced by T.
Protein change: p.Pro1062Leu; replaces proline 1062 with leucine.
Molecular consequence: missense variant.
Genome position (GRCh38, 1-based): chr13:32,337,540, C>T. VCF-style: chr13-32337540-C-T. GRCh37 (hg19) VCF-style: chr13-32911677-C-T.
Other names: c.3185C>T (NM_000059.3); short protein forms P1062L.
Identifiers: ClinVar variation 1520683 (VCV001520683.10), dbSNP rs564316199, ClinGen allele CA6940675.

ClinVar aggregate classification (germline): Conflicting classifications of pathogenicity. Review status: criteria provided, conflicting classifications (1 of 4 stars). 5 submissions from 5 submitters: Uncertain significance (3); Likely benign (2). Last evaluated 2025-08-12.

Conditions:
Hereditary cancer-predisposing syndrome. Also called: Tumor predisposition; Hereditary neoplastic syndrome; Neoplastic Syndromes, Hereditary; Hereditary Cancer Syndrome. Identifiers: Orphanet 140162, MedGen C0027672, MeSH D009386, MONDO:0015356.
Hereditary breast ovarian cancer syndrome. Also called: Hereditary breast and ovarian cancer syndrome; Hereditary breast and/or ovarian cancer syndrome; Hereditary breast and ovarian cancer; Hereditary breast and ovarian cancer syndrome (HBOC); BRCA1- and BRCA2-Associated Hereditary Breast and Ovarian Cancer; Breast and ovarian cancer. Identifiers: Orphanet 145, MedGen C0677776, MeSH D061325, MONDO:0003582. Disease mechanism: loss of function.
Breast-ovarian cancer, familial, susceptibility to, 2 (BROVCA2). Also called: BRCA2 Hereditary Breast and Ovarian Cancer. Identifiers: Orphanet 145, MedGen C2675520, MONDO:0012933, OMIM 612555. Disease mechanism: loss of function.

Allele frequency attached by ClinVar (database versions not stated): gnomAD exomes below 0.00001; ExAC 0.00001; gnomAD 0.00001; 1000 Genomes Project 30x 0.00016; 1000 Genomes Project 0.00020.
gnomAD v4.1: 1 of 1,607,970 alleles (0.000062%); highest among the groups gnomAD compares: Admixed American, 0.0017%; no homozygotes.

Submissions (5):

GeneDx
Classification: Uncertain significance. Last evaluated: 2025-08-12. Review status: criteria provided, single submitter. Criteria: GeneDx Variant Classification Process June 2021. Collection method: clinical testing. Allele origin: germline. Affected: yes.
Comment: Not observed at significant frequency in large population cohorts (gnomAD); In silico analysis supports that this missense variant has a deleterious effect on protein structure/function; Has not been previously published as pathogenic or benign to our knowledge; Also known as 3413C>T

Ambry Genetics
Classification: Likely benign for Hereditary cancer-predisposing syndrome. Last evaluated: 2025-08-04. Review status: criteria provided, single submitter. Criteria: Ambry Variant Classification Scheme 2023. Collection method: clinical testing. Allele origin: germline.

Labcorp Genetics (formerly Invitae), Labcorp
Classification: Uncertain significance for Hereditary breast ovarian cancer syndrome. Last evaluated: 2025-05-28. Review status: criteria provided, single submitter. Criteria: Invitae Variant Classification Sherloc (09022015). Collection method: clinical testing. Allele origin: germline.
Comment: This sequence change replaces proline, which is neutral and non-polar, with leucine, which is neutral and non-polar, at codon 1062 of the BRCA2 protein (p.Pro1062Leu). This variant is present in population databases (rs564316199, gnomAD 0.003%). This variant has not been reported in the literature in individuals affected with BRCA2-related conditions. ClinVar contains an entry for this variant (Variation ID: 1520683). Invitae Evidence Modeling of protein sequence and biophysical properties (such as structural, functional, and spatial information, amino acid conservation, physicochemical variation, residue mobility, and thermodynamic stability) indicates that this missense variant is not expected to disrupt BRCA2 protein function with a negative predictive value of 95%. In summary, the available evidence is currently insufficient to determine the role of this variant in disease. Therefore, it has been classified as a Variant of Uncertain Significance.

All of Us Research Program, National Institutes of Health
Classification: Uncertain significance for Breast-ovarian cancer, familial, susceptibility to, 2. Last evaluated: 2023-11-02. Review status: criteria provided, single submitter. Criteria: ACMG Guidelines, 2015. Collection method: clinical testing. Allele origin: germline. Inheritance: Autosomal dominant inheritance. Observed: 1 variant allele, 1 heterozygote.
Comment: This missense variant replaces proline with leucine at codon 1062 of the BRCA2 protein. Computational prediction suggests that this variant may not impact protein structure and function (internally defined REVEL score threshold <= 0.5, PMID: 27666373). To our knowledge, functional studies have not been reported for this variant. This variant has not been reported in individuals affected with BRCA2-related disorders in the literature. This variant has been identified in 1/247056 chromosomes in the general population by the Genome Aggregation Database (gnomAD). The available evidence is insufficient to determine the role of this variant in disease conclusively. Therefore, this variant is classified as a Variant of Uncertain Significance.

This study involves interpretation of variants in research participants for the purpose of population health screening. Participant phenotype was not available at the time of variant classification. Additional details can be found in publication PMID: 35346344, PMCID: PMC8962531

University of Washington Department of Laboratory Medicine, University of Washington
Classification: Likely benign for Hereditary cancer-predisposing syndrome. Last evaluated: 2023-03-23. Review status: criteria provided, single submitter. Criteria: Dines et al. (Genet Med. 2020). Collection method: curation. Allele origin: germline.
Comment: Missense variant in a coldspot region where missense variants are very unlikely to be pathogenic (PMID:31911673).

BRCA2 exon 11 coldspot. Reclassification based on statistical prior probability.